The following is an entry in ClinVar:

ClinVar aggregate classification (germline): Conflicting classifications of pathogenicity. Review status: criteria provided, conflicting classifications (1 of 4 stars). 4 submissions from 4 submitters: Uncertain significance (2); Likely benign (1). 1 of the submissions does not count toward it. Last evaluated 2025-10-02.

Conditions:
Nemaline myopathy 2 (NEM2). Also called: Nemaline myopathy 2, autosomal recessive. Identifiers: MedGen C1850569, MONDO:0009725, OMIM 256030.
Inborn genetic diseases. Identifiers: MedGen C0950123, MeSH D030342.

Allele frequency attached by ClinVar (database versions not stated): gnomAD 0.00001; gnomAD exomes 0.00001 and 0.00004; ExAC 0.00002; TOPMed 0.00002.
gnomAD v4.1: 14 of 1,612,976 alleles (0.00087%); highest among the groups gnomAD compares: Admixed American, 0.018%; no homozygotes.

Submissions (4):

Labcorp Genetics (formerly Invitae), Labcorp
Classification: Likely benign for Nemaline myopathy 2. Last evaluated: 2025-10-02. Review status: criteria provided, single submitter. Criteria: Invitae Variant Classification Sherloc (09022015). Collection method: clinical testing. Allele origin: germline.

Ambry Genetics
Classification: Uncertain significance for Inborn genetic diseases. Last evaluated: 2024-06-10. Review status: criteria provided, single submitter. Criteria: Ambry Variant Classification Scheme 2023. Collection method: clinical testing. Allele origin: germline.

GeneDx
Classification: Uncertain significance. Last evaluated: 2017-06-30. Review status: criteria provided, single submitter. Criteria: GeneDx Variant Classification (06012015). Collection method: clinical testing. Allele origin: germline. Affected: yes.
Comment: The M6926T variant has not been published as a pathogenic variant, nor has it been reported as a benign variant to our knowledge. The M6926T variant is not observed at a significant frequency in large population cohorts (Lek et al., 2016; 1000 Genomes Consortium et al., 2015; Exome Variant Server). This variant is a non-conservative amino acid substitution, which is likely to impact secondary protein structure as these residues differ in polarity, charge, size and/or other properties. This substitution occurs at a position where amino acids with similar properties to Methionine are tolerated across species. In silico analysis predicts this variant is probably damaging to the protein structure/function. However, most reported pathogenic variants in the NEB gene are truncating/loss-of-function.

Natera, Inc.
Classification: Uncertain significance for Nemaline myopathy type 2. Last evaluated: 2019-11-11. Review status: no assertion criteria provided. Collection method: clinical testing. Allele origin: germline. Not counted in ClinVar's aggregate classification.

NM_001164508.2(NEB):c.20777T>C (p.Met6926Thr)

Gene: NEB (nebulin; minus strand). Cytogenetic location: 2q23.3.
Variant type: single nucleotide variant.
Coding change: c.20777T>C on transcript NM_001164508.2 (MANE Select); coding-DNA position 20777, T replaced by C.
Protein change: p.Met6926Thr; replaces methionine 6926 with threonine.
Molecular consequence: missense variant.
Genome position (GRCh38, 1-based): chr2:151,540,707, A>G on the plus strand (T>C on the coding strand, the complement: NEB is on the minus strand). VCF-style: chr2-151540707-A-G. GRCh37 (hg19) VCF-style: chr2-152397221-A-G.
Other names: c.15674T>C (NM_004543.4); c.20777T>C, p.Met6926Thr (NM_001164507.2, NM_001271208.2); c.15674T>C, p.Met5225Thr (NM_004543.5); short protein forms M6926T, M5225T.
Identifiers: ClinVar variation 450120 (VCV000450120.8), dbSNP rs763737123, ClinGen allele CA1907173.